The following is an entry in ClinVar:

NM_000540.3(RYR1):c.7871G>C (p.Arg2624Pro)

Gene: RYR1 (ryanodine receptor 1; plus strand). Cytogenetic location: 19q13.2.
Variant type: single nucleotide variant.
Coding change: c.7871G>C on transcript NM_000540.3 (MANE Select); coding-DNA position 7871, G replaced by C.
Protein change: p.Arg2624Pro; replaces arginine 2624 with proline.
Molecular consequence: missense variant.
Genome position (GRCh38, 1-based): chr19:38,502,915, G>C. VCF-style: chr19-38502915-G-C. GRCh37 (hg19) VCF-style: chr19-38993555-G-C.
Other names: c.7871G>C, p.Arg2624Pro (NM_001042723.2); short protein forms R2624P.
Identifiers: ClinVar variation 1709285 (VCV001709285.3), dbSNP rs1214491630, ClinGen allele CA405673797.

ClinVar aggregate classification (germline): Uncertain significance. Review status: criteria provided, multiple submitters, no conflicts (2 of 4 stars). 2 submissions from 2 submitters: Uncertain significance (2). Last evaluated 2023-12-13.

Conditions:
Malignant hyperthermia, susceptibility to, 1 (MHS1). Also called: Anesthesia related hyperthermia; Malignant hyperpyrexia; Fulminating hyperpyrexia; Pharmacogenic myopathy; RYR1-Related Malignant Hyperthermia Susceptibility; Malignant hyperthermia suceptibility 1. Identifiers: Orphanet 423, MedGen C2930980, MONDO:0007783, OMIM 145600.
King Denborough syndrome (KDS). Identifiers: MedGen C1840365, MONDO:0020485, OMIM 619542.

gnomAD v4.1: 1 of 1,611,738 alleles (0.000062%); highest among the groups gnomAD compares: Non-Finnish European, 0.000085%; no homozygotes.

Submissions (2):

All of Us Research Program, National Institutes of Health
Classification: Uncertain significance for Malignant hyperthermia, susceptibility to, 1. Last evaluated: 2023-12-13. Review status: criteria provided, single submitter. Criteria: ACMG Guidelines, 2015. Collection method: clinical testing. Allele origin: germline. Inheritance: Autosomal dominant inheritance. Observed: 1 variant allele, 1 heterozygote.
Comment: This missense variant replaces arginine with proline at codon 2624 of the RYR1 protein. Computational prediction suggests that this variant may have deleterious impact on protein structure and function (internally defined REVEL score threshold >= 0.7, PMID: 27666373). To our knowledge, functional studies have not been reported for this variant. This variant has not been reported in individuals affected with RYR1-related disorders in the literature. This variant has not been identified in the general population by the Genome Aggregation Database (gnomAD). The available evidence is insufficient to determine the role of this variant in disease conclusively. Therefore, this variant is classified as a Variant of Uncertain Significance.

This study involves interpretation of variants in research participants for the purpose of population health screening. Participant phenotype was not available at the time of variant classification. Additional details can be found in publication PMID: 35346344, PMCID: PMC8962531

MGZ Medical Genetics Center
Classification: Uncertain significance for King Denborough syndrome. Last evaluated: 2022-05-24. Review status: criteria provided, single submitter. Criteria: ACMG Guidelines, 2015. Collection method: clinical testing. Allele origin: germline. Affected: yes. Observed: 1 variant allele.
Comment: ACMG criteria applied: PM2_SUP, PP3